The following is an entry in ClinVar:

NM_000243.3(MEFV):c.1611-134G>C

Gene: MEFV (MEFV innate immunity regulator, pyrin; minus strand). Cytogenetic location: 16p13.3.
Variant type: single nucleotide variant.
Coding change: c.1611-134G>C on transcript NM_000243.3 (MANE Select); 134 bases into the intron before coding-DNA position 1611, G replaced by C.
Molecular consequence: intron variant.
Genome position (GRCh38, 1-based): chr16:3,244,722, C>G on the plus strand (G>C on the coding strand, the complement: MEFV is on the minus strand). VCF-style: chr16-3244722-C-G. GRCh37 (hg19) VCF-style: chr16-3294722-C-G.
Other names: c.978-134G>C (NM_001198536.2).
Identifiers: ClinVar variation 678207 (VCV000678207.1), dbSNP rs140984735, ClinGen allele CA276896264.

ClinVar aggregate classification (germline): Likely benign (1 of 4 stars; one submission).

Allele frequency attached by ClinVar (database versions not stated): 1000 Genomes Project 0.00499; gnomAD 0.00514 and 0.00554; TOPMed 0.00525; 1000 Genomes Project 30x 0.00578.
gnomAD v4.1: 1,481 of 745,282 alleles (0.2%); highest among the groups gnomAD compares: African/African-American, 1.5%; 4 homozygotes.

Submission:

GeneDx
Classification: Likely benign. Last evaluated: 2018-06-16. Review status: criteria provided, single submitter. Criteria: GeneDx Variant Classification (06012015). Collection method: clinical testing. Allele origin: germline. Affected: yes.
Comment: This variant is considered likely benign or benign based on one or more of the following criteria: it is a conservative change, it occurs at a poorly conserved position in the protein, it is predicted to be benign by multiple in silico algorithms, and/or has population frequency not consistent with disease.